The following is an entry in ClinVar:

NM_000051.4(ATM):c.4010T>A (p.Ile1337Asn)

Gene: ATM (ATM serine/threonine kinase; plus strand). Cytogenetic location: 11q22.3.
Variant type: single nucleotide variant.
Coding change: c.4010T>A on transcript NM_000051.4 (MANE Select); coding-DNA position 4010, T replaced by A.
Protein change: p.Ile1337Asn; replaces isoleucine 1337 with asparagine.
Molecular consequence: missense variant.
Genome position (GRCh38, 1-based): chr11:108,287,616, T>A. VCF-style: chr11-108287616-T-A. GRCh37 (hg19) VCF-style: chr11-108158343-T-A.
Other names: c.4010T>A, p.Ile1337Asn (NM_001351834.2); short protein forms I1337N.
Identifiers: ClinVar variation 407657 (VCV000407657.21), dbSNP rs1060501660, ClinGen allele CA16613134.

ClinVar aggregate classification (germline): Uncertain significance. Review status: criteria provided, multiple submitters, no conflicts (2 of 4 stars). 6 submissions from 6 submitters: Uncertain significance (5). 1 of the submissions does not count toward it. Last evaluated 2024-09-23.

Conditions:
Hereditary cancer-predisposing syndrome. Also called: Hereditary neoplastic syndrome; Neoplastic Syndromes, Hereditary; Tumor predisposition; Hereditary Cancer Syndrome. Identifiers: Orphanet 140162, MedGen C0027672, MeSH D009386, MONDO:0015356.
Familial cancer of breast. Also called: Hereditary breast cancer; hereditary breast carcinoma; BREAST CANCER, FAMILIAL. Identifiers: Orphanet 227535, MedGen C0346153, MONDO:0016419, OMIM 114480. Disease mechanism: loss of function.
Ataxia-telangiectasia syndrome (AT). Also called: Ataxia telangiectasia (A-T); LOUIS-BAR SYNDROME; Cerebello-oculocutaneous telangiectasia; Immunodeficiency with ataxia telangiectasia; Ataxia-telangiectasia, complementation group D; AT, COMPLEMENTATION GROUP C. Identifiers: Orphanet 100, MedGen C0004135, MONDO:0008840, OMIM 208900.

Allele frequency attached by ClinVar (database versions not stated): TOPMed below 0.00001; gnomAD 0.00001; gnomAD exomes 0.00001.
gnomAD v4.1: 9 of 1,611,650 alleles (0.00056%); highest among the groups gnomAD compares: Non-Finnish European, 0.00076%; no homozygotes.

Submissions (6):

Labcorp Genetics (formerly Invitae), Labcorp
Classification: Uncertain significance for Ataxia-telangiectasia syndrome. Last evaluated: 2024-09-23. Review status: criteria provided, single submitter. Criteria: Invitae Variant Classification Sherloc (09022015). Collection method: clinical testing. Allele origin: germline.
Comment: This sequence change replaces isoleucine, which is neutral and non-polar, with asparagine, which is neutral and polar, at codon 1337 of the ATM protein (p.Ile1337Asn). This variant is present in population databases (no rsID available, gnomAD 0.007%). This variant has not been reported in the literature in individuals affected with ATM-related conditions. ClinVar contains an entry for this variant (Variation ID: 407657). An algorithm developed to predict the effect of missense changes on protein structure and function outputs the following: PolyPhen-2: "Benign". The asparagine amino acid residue is found in multiple mammalian species, which suggests that this missense change does not adversely affect protein function. In summary, the available evidence is currently insufficient to determine the role of this variant in disease. Therefore, it has been classified as a Variant of Uncertain Significance.

Baylor Genetics
Classification: Uncertain significance for Familial cancer of breast. Last evaluated: 2024-02-11. Review status: criteria provided, single submitter. Criteria: ACMG Guidelines, 2015. Collection method: clinical testing. Allele origin: unknown.

Ambry Genetics
Classification: Uncertain significance for Hereditary cancer-predisposing syndrome. Last evaluated: 2023-12-17. Review status: criteria provided, single submitter. Criteria: Ambry Variant Classification Scheme 2023. Collection method: clinical testing. Allele origin: germline.
Comment: The p.I1337N variant (also known as c.4010T>A), located in coding exon 26 of the ATM gene, results from a T to A substitution at nucleotide position 4010. The isoleucine at codon 1337 is replaced by asparagine, an amino acid with dissimilar properties. This amino acid position is poorly conserved in available vertebrate species. In addition, this alteration is predicted to be tolerated by in silico analysis. Since supporting evidence is limited at this time, the clinical significance of this alteration remains unclear.

Color Diagnostics, LLC DBA Color Health
Classification: Uncertain significance for Hereditary cancer-predisposing syndrome. Last evaluated: 2023-12-05. Review status: criteria provided, single submitter. Criteria: ACMG Guidelines, 2015. Collection method: clinical testing. Allele origin: germline.
Comment: This missense variant replaces isoleucine with asparagine at codon 1337 of the ATM protein. Computational prediction suggests that this variant may not impact protein structure and function. To our knowledge, functional studies have not been reported for this variant. This variant has not been reported in individuals affected with ATM-related disorders in the literature. This variant has been identified in 1/31394 chromosomes in the general population by the Genome Aggregation Database (gnomAD). The available evidence is insufficient to determine the role of this variant in disease conclusively. Therefore, this variant is classified as a Variant of Uncertain Significance.

Laboratorio de Genetica e Diagnostico Molecular, Hospital Israelita Albert Einstein
Classification: Uncertain significance for Familial cancer of breast. Last evaluated: 2021-10-06. Review status: criteria provided, single submitter. Criteria: ACMG Guidelines, 2015. Collection method: clinical testing. Allele origin: germline. Affected: yes.
Comment: ACMG classification criteria: PM2 moderate, BP4 supporting

Natera, Inc.
Classification: Uncertain significance for Ataxia-telangiectasia. Last evaluated: 2021-07-30. Review status: no assertion criteria provided. Collection method: clinical testing. Allele origin: germline. Not counted in ClinVar's aggregate classification.